The following is an entry in ClinVar:

ClinVar aggregate classification (germline): Likely pathogenic (1 of 4 stars; one submission).

Conditions:
Dilated cardiomyopathy 1G (CMD1G). Identifiers: Orphanet 154, MedGen C1858763, MONDO:0011400, OMIM 604145.
Autosomal recessive limb-girdle muscular dystrophy type 2J (LGMDR10). Also called: Limb-girdle muscular dystrophy, type 2J; MUSCULAR DYSTROPHY, LIMB-GIRDLE, AUTOSOMAL RECESSIVE 10. Identifiers: Orphanet 140922, MedGen C1837342, MONDO:0012127, OMIM 608807.

Submission:

Labcorp Genetics (formerly Invitae), Labcorp
Classification: Likely pathogenic for Dilated cardiomyopathy 1G; Autosomal recessive limb-girdle muscular dystrophy type 2J. Last evaluated: 2024-10-17. Review status: criteria provided, single submitter. Criteria: Invitae Variant Classification Sherloc (09022015). Collection method: clinical testing. Allele origin: germline.
Comment: This sequence change creates a premature translational stop signal (p.Leu3880Cysfs*28) in the TTN gene. While this is not anticipated to result in nonsense mediated decay, it is expected to create a truncated TTN protein. This variant is not present in population databases (gnomAD no frequency). This variant has not been reported in the literature in individuals affected with TTN-related conditions. ClinVar contains an entry for this variant (Variation ID: 578697). This variant is located in the I band of TTN (PMID: 25589632). Truncating variants in this region have been reported in individuals affected with autosomal recessive centronuclear myopathy (PMID: 23975875, internal data). Truncating variants in this region have also been identified in individuals affected with autosomal dominant dilated cardiomyopathy and/or cardio-related conditions (PMID: 27869827, 32964742, internal data). In summary, the currently available evidence indicates that the variant is pathogenic, but additional data are needed to prove that conclusively. Therefore, this variant has been classified as Likely Pathogenic.

Literature cited by the submitters: PubMed 25589632; PubMed 23975875; PubMed 27869827; PubMed 32964742.

NM_001267550.2(TTN):c.11637del (p.Leu3880fs)

Gene: TTN (titin; minus strand). Cytogenetic location: 2q31.2.
Variant type: Deletion.
Coding change: c.11637del on transcript NM_001267550.2 (MANE Select); coding-DNA position 11637, one base deleted (T; older notation c.11637delT).
Protein change: p.Leu3880fs; shifts the reading frame from leucine 3880.
Molecular consequence: frameshift variant. On other transcripts: intron variant (1).
Genome position (GRCh38, 1-based): chr2:178,741,596, A deleted on the plus strand (T on the coding strand, the reverse complement: TTN is on the minus strand); the first of 2 consecutive A bases (chr2:178,741,596-178,741,597); deleting either gives the same sequence. VCF-style (leftmost placement, unchanged base first): chr2-178741595-GA-G. GRCh37 (hg19) VCF-style: chr2-179606322-GA-G.
Other names: c.10686del, p.Leu3563fs (NM_001256850.1); c.10548del, p.Leu3517fs (NM_003319.4); c.10923del, p.Leu3642fs (NM_133432.3); c.11124del, p.Leu3709fs (NM_133437.4); c.10361-3236del (NM_133378.4); c.11637delT (NM_001267550.2); short protein forms L3563fs, L3642fs, L3517fs, L3709fs, L3880fs.
Identifiers: ClinVar variation 578697 (VCV000578697.9), dbSNP rs1560926034, ClinGen allele CA891842755.